The following is an entry in ClinVar:

ClinVar aggregate classification (germline): Uncertain significance (1 of 4 stars; one submission).

Allele frequency attached by ClinVar (database versions not stated): gnomAD exomes below 0.00001; gnomAD 0.00001; TOPMed 0.00006.
gnomAD v4.1: 6 of 1,536,462 alleles (0.00039%); highest among the groups gnomAD compares: Non-Finnish European, 0.00035%; no homozygotes.

Submission:

Labcorp Genetics (formerly Invitae), Labcorp
Classification: Uncertain significance. Last evaluated: 2022-07-05. Review status: criteria provided, single submitter. Criteria: Invitae Variant Classification Sherloc (09022015). Collection method: clinical testing. Allele origin: germline.
Comment: This sequence change replaces valine, which is neutral and non-polar, with methionine, which is neutral and non-polar, at codon 891 of the EYS protein (p.Val891Met). This variant is not present in population databases (gnomAD no frequency). This variant has not been reported in the literature in individuals affected with EYS-related conditions. Algorithms developed to predict the effect of missense changes on protein structure and function output the following: SIFT: "Tolerated"; PolyPhen-2: "Benign"; Align-GVGD: "Class C0". The methionine amino acid residue is found in multiple mammalian species, which suggests that this missense change does not adversely affect protein function. In summary, the available evidence is currently insufficient to determine the role of this variant in disease. Therefore, it has been classified as a Variant of Uncertain Significance.

NM_001142800.2(EYS):c.2671G>A (p.Val891Met)

Gene: EYS (eyes shut homolog; minus strand). Cytogenetic location: 6q12.
Variant type: single nucleotide variant.
Coding change: c.2671G>A on transcript NM_001142800.2 (MANE Select); coding-DNA position 2671, G replaced by A.
Protein change: p.Val891Met; replaces valine 891 with methionine.
Molecular consequence: missense variant.
Genome position (GRCh38, 1-based): chr6:64,902,471, C>T on the plus strand (G>A on the coding strand, the complement: EYS is on the minus strand). VCF-style: chr6-64902471-C-T. GRCh37 (hg19) VCF-style: chr6-65612364-C-T.
Other names: c.2671G>A, p.Val891Met (NM_001292009.2); short protein forms V891M.
Identifiers: ClinVar variation 2145924 (VCV002145924.1), dbSNP rs956494216, ClinGen allele CA140379044.